The following is an entry in ClinVar:

NM_000171.4(GLRA1):c.229G>T (p.Gly77Cys)

Gene: GLRA1 (glycine receptor alpha 1; minus strand). Cytogenetic location: 5q33.1.
Variant type: single nucleotide variant.
Coding change: c.229G>T on transcript NM_000171.4 (MANE Select); coding-DNA position 229, G replaced by T.
Protein change: p.Gly77Cys; replaces glycine 77 with cysteine.
Molecular consequence: missense variant. On other transcripts: 5 prime UTR variant (1).
Genome position (GRCh38, 1-based): chr5:151,886,744, C>A on the plus strand (G>T on the coding strand, the complement: GLRA1 is on the minus strand). VCF-style: chr5-151886744-C-A. GRCh37 (hg19) VCF-style: chr5-151266305-C-A.
Other names: c.229G>T, p.Gly77Cys (NM_001146040.2); c.-21G>T (NM_001292000.2); short protein forms G77C.
Identifiers: ClinVar variation 1040066 (VCV001040066.9), dbSNP rs761410250, ClinGen allele CA3523741.
Genomic context (GRCh38, chr5:151,886,744, plus strand): 5'-CAGCAGGAACTAACAGCTTGTGTTTTGACTTACTCACCATGGTTGTCTCAGCAATGGAAC[C>A]AAAGCTGTTGATGAAAATGTTGCAGCTCACGTTCACTGGGGGACCTGCCAATCAAGAGAG-3'
Protein context (NP_000162.2, residues 67-87): VSCNIFINSF[Gly77Cys]SIAETTMDYR

ClinVar aggregate classification (germline): Uncertain significance (1 of 4 stars; one submission).

Conditions:
Hereditary hyperekplexia. Identifiers: Orphanet 3197, MedGen C4084968, MONDO:0021022.

Allele frequency attached by ClinVar (database versions not stated): gnomAD exomes below 0.00001; ExAC 0.00001.
gnomAD v4.1: 1 of 1,613,130 alleles (0.000062%); highest among the groups gnomAD compares: Non-Finnish European, 0.000085%; no homozygotes.

Submission:

Labcorp Genetics (formerly Invitae), Labcorp
Classification: Uncertain significance for Hereditary hyperekplexia. Last evaluated: 2024-02-10. Review status: criteria provided, single submitter. Criteria: Invitae Variant Classification Sherloc (09022015). Collection method: clinical testing. Allele origin: germline.
Comment: This sequence change replaces glycine, which is neutral and non-polar, with cysteine, which is neutral and slightly polar, at codon 77 of the GLRA1 protein (p.Gly77Cys). This variant is present in population databases (rs761410250, gnomAD 0.0009%). This variant has not been reported in the literature in individuals affected with GLRA1-related conditions. ClinVar contains an entry for this variant (Variation ID: 1040066). Advanced modeling of protein sequence and biophysical properties (such as structural, functional, and spatial information, amino acid conservation, physicochemical variation, residue mobility, and thermodynamic stability) performed at Invitae indicates that this missense variant is expected to disrupt GLRA1 protein function with a positive predictive value of 95%. In summary, the available evidence is currently insufficient to determine the role of this variant in disease. Therefore, it has been classified as a Variant of Uncertain Significance.